The following is an entry in ClinVar:

NM_001395413.1(POR):c.549C>T (p.Ala183=)

Gene: POR (cytochrome p450 oxidoreductase; plus strand). Cytogenetic location: 7q11.23.
Variant type: single nucleotide variant.
Coding change: c.549C>T on transcript NM_001395413.1 (MANE Select); coding-DNA position 549, C replaced by T.
Protein change: p.Ala183=; no amino-acid change (alanine 183 retained).
Molecular consequence: synonymous variant.
Genome position (GRCh38, 1-based): chr7:75,981,089, C>T. VCF-style: chr7-75981089-C-T. GRCh37 (hg19) VCF-style: chr7-75610407-C-T.
Other names: c.558C>T, p.Ala186= (NM_000941.2, NM_000941.3); c.549C>T, p.Ala183= (NM_001367562.3, NM_001382657.2, NM_001382658.3 and 2 more transcripts); c.603C>T, p.Ala201= (NM_001382655.3).
Identifiers: ClinVar variation 2657617 (VCV002657617.27), dbSNP rs782524389, ClinGen allele CA4303724.

ClinVar aggregate classification (germline): Likely benign. Review status: criteria provided, multiple submitters, no conflicts (2 of 4 stars). 2 submissions from 2 submitters: Likely benign (2). Last evaluated 2026-02-02.

Conditions:
Congenital adrenal hyperplasia due to cytochrome P450 oxidoreductase deficiency. Also called: DISORDERED STEROIDOGENESIS DUE TO POR DEFICIENCY. Identifiers: Orphanet 95699, MedGen C1860042, MONDO:0013310, OMIM 613571.

Allele frequency attached by ClinVar (database versions not stated): TOPMed 0.00003; gnomAD exomes 0.00001; gnomAD 0.00003.
gnomAD v4.1: 28 of 1,574,560 alleles (0.0018%); highest among the groups gnomAD compares: Middle Eastern, 0.017%; no homozygotes.

Submissions (2):

Labcorp Genetics (formerly Invitae), Labcorp
Classification: Likely benign for Congenital adrenal hyperplasia due to cytochrome P450 oxidoreductase deficiency. Last evaluated: 2026-02-02. Review status: criteria provided, single submitter. Criteria: Invitae Variant Classification Sherloc (09022015). Collection method: clinical testing. Allele origin: germline.

CeGaT Center for Human Genetics Tuebingen
Classification: Likely benign. Last evaluated: 2023-01-01. Review status: criteria provided, single submitter. Criteria: CeGaT Center For Human Genetics Tuebingen Variant Classification Criteria Version 2. Collection method: clinical testing. Allele origin: germline. Affected: yes. Observed: 1 variant allele.
Comment: POR: BP4, BP7